The following is an entry in ClinVar:

ClinVar aggregate classification (germline): Uncertain significance. Review status: criteria provided, multiple submitters, no conflicts (2 of 4 stars). 2 submissions from 2 submitters: Uncertain significance (2). Last evaluated 2025-08-31.

Conditions:
Inborn genetic diseases. Identifiers: MedGen C0950123, MeSH D030342.

gnomAD v4.1: 4 of 1,613,832 alleles (0.00025%); highest among the groups gnomAD compares: Non-Finnish European, 0.00025%; no homozygotes.

Submissions (2):

Ambry Genetics
Classification: Uncertain significance for Inborn genetic diseases. Last evaluated: 2025-08-31. Review status: criteria provided, single submitter. Criteria: Ambry Variant Classification Scheme 2023. Collection method: clinical testing. Allele origin: germline.

GeneDx
Classification: Uncertain significance. Last evaluated: 2024-04-23. Review status: criteria provided, single submitter. Criteria: GeneDx Variant Classification Process June 2021. Collection method: clinical testing. Allele origin: germline. Affected: yes.
Comment: Not observed at significant frequency in large population cohorts (gnomAD); In silico analysis indicates that this missense variant does not alter protein structure/function; Has not been previously published as pathogenic or benign to our knowledge

NM_001278716.2(FBXL4):c.925C>G (p.Leu309Val)

Gene: FBXL4 (F-box and leucine rich repeat protein 4; minus strand). Cytogenetic location: 6q16.2.
Variant type: single nucleotide variant.
Coding change: c.925C>G on transcript NM_001278716.2 (MANE Select); coding-DNA position 925, C replaced by G.
Protein change: p.Leu309Val; replaces leucine 309 with valine.
Molecular consequence: missense variant. On other transcripts: non-coding transcript variant (2).
Genome position (GRCh38, 1-based): chr6:98,905,604, G>C on the plus strand (C>G on the coding strand, the complement: FBXL4 is on the minus strand). VCF-style: chr6-98905604-G-C. GRCh37 (hg19) VCF-style: chr6-99353480-G-C.
Other names: c.925C>G, p.Leu309Val (NM_012160.5); short protein forms L309V.
Identifiers: ClinVar variation 3372871 (VCV003372871.2).